The following is an entry in ClinVar:

NM_001127496.3(SPRY4):c.284G>A (p.Arg95His)

Gene: SPRY4 (sprouty RTK signaling antagonist 4; minus strand). Cytogenetic location: 5q31.3.
Variant type: single nucleotide variant.
Coding change: c.284G>A on transcript NM_001127496.3 (MANE Select); coding-DNA position 284, G replaced by A.
Protein change: p.Arg95His; replaces arginine 95 with histidine.
Molecular consequence: missense variant.
Genome position (GRCh38, 1-based): chr5:142,314,825, C>T on the plus strand (G>A on the coding strand, the complement: SPRY4 is on the minus strand). VCF-style: chr5-142314825-C-T. GRCh37 (hg19) VCF-style: chr5-141694390-C-T.
Other names: c.284G>A, p.Arg95His (NM_001293289.3, NM_001293290.3); c.353G>A, p.Arg118His (NM_030964.5); short protein forms R118H, R95H.
Identifiers: ClinVar variation 4978074 (VCV004978074.1).
Genomic context (GRCh38, chr5:142,314,825, plus strand): 5'-ATGTGGTCTAAGAGCCGTTGGTCAGAGGATGTGCTGCTGCTGCTGCTCACAGAGCTGGGG[C>T]GCCCGCTGAAGGAGATCCAATGGTGGGTGACATCCTGGTCACAGCGGGCGGGCGTCGGGG-3'
Protein context (NP_001120968.1, residues 85-105): VTHHWISFSG[Arg95His]PSSVSSSSST

ClinVar aggregate classification (germline): Uncertain significance (1 of 4 stars; one submission).

Conditions:
SPRY4-related disorder. Also called: SPRY4-related condition.

Submission:

PreventionGenetics, part of Exact Sciences
Classification: Uncertain significance for SPRY4-related condition. Last evaluated: 2025-01-02. Review status: criteria provided, single submitter. Criteria: ACMG Guidelines, 2015. Collection method: clinical testing. Allele origin: germline.
Comment: The SPRY4 c.353G>A variant is predicted to result in the amino acid substitution p.Arg118His. To our knowledge, this variant has not been reported in the literature. This variant is reported in 0.00094% of alleles in individuals of European (Non-Finnish) descent in gnomAD. At this time, the clinical significance of this variant is uncertain due to the absence of conclusive functional and genetic evidence.